The following is an entry in ClinVar:

ClinVar aggregate classification (germline): Likely pathogenic. Review status: criteria provided, multiple submitters, no conflicts (2 of 4 stars). 3 submissions from 3 submitters: Likely pathogenic (2). 1 of the submissions does not count toward it. Last evaluated 2025-12-18.

Conditions:
SLC39A8-related disorder. Also called: SLC39A8-related condition.
SLC39A8-CDG. Also called: SLC39A8 deficiency; CONGENITAL DISORDER OF GLYCOSYLATION, TYPE IIn; CDG IIn. Identifiers: Orphanet 468699, MedGen C4225234, MONDO:0014746, OMIM 616721.

Submissions (3):

GeneDx
Classification: Likely pathogenic. Last evaluated: 2025-12-18. Review status: criteria provided, single submitter. Criteria: GeneDx Variant Classification Process June 2021. Collection method: clinical testing. Allele origin: germline. Affected: yes.
Comment: Published functional studies suggest a damaging effect (PMID: 35636252, 29453449, 39884836); Not observed at significant frequency in large population cohorts (gnomAD); In silico analysis supports that this missense variant has a deleterious effect on protein structure/function; This variant is associated with the following publications: (PMID: 26637978, 26637979, 29453449, 28749473, 40917882, 39884836, 35636252)

Blueprint Genetics
Classification: Likely pathogenic for SLC39A8-related disorders. Last evaluated: 2020-09-11. Review status: criteria provided, single submitter. Criteria: ACMG Guidelines, 2015. Collection method: clinical testing. Allele origin: germline. Affected: yes. Observed: 1 variant allele.

OMIM
Classification: Pathogenic for CONGENITAL DISORDER OF GLYCOSYLATION, TYPE IIn. Last evaluated: 2015-12-03. Review status: no assertion criteria provided. Collection method: literature only. Allele origin: germline. Not counted in ClinVar's aggregate classification.

Literature cited by the submitters: PubMed 26637979 (cited by OMIM).

NM_001135146.2(SLC39A8):c.1019T>A (p.Ile340Asn)

Genes: SLC39A8 (solute carrier family 39 member 8; minus strand), LOC126807125 (MED14-independent group 3 enhancer GRCh37_chr4:103188587-103189786; plus strand). Cytogenetic location: 4q24.
Variant type: single nucleotide variant.
Coding change: c.1019T>A on transcript NM_001135146.2 (MANE Select); coding-DNA position 1019, T replaced by A.
Protein change: p.Ile340Asn; replaces isoleucine 340 with asparagine.
Molecular consequence: missense variant.
Genome position (GRCh38, 1-based): chr4:102,267,901, A>T on the plus strand (T>A on the coding strand, the complement: SLC39A8 is on the minus strand). VCF-style: chr4-102267901-A-T. GRCh37 (hg19) VCF-style: chr4-103189058-A-T.
Other names: c.1019T>A, p.Ile340Asn (NM_001135147.1, NM_022154.5); c.818T>A, p.Ile273Asn (NM_001135148.2); short protein forms I340N, I273N.
Identifiers: ClinVar variation 218896 (VCV000218896.6), dbSNP rs864309659, ClinGen allele CA277910.